The following is an entry in ClinVar:

ClinVar aggregate classification (germline): Pathogenic/Likely pathogenic. Review status: criteria provided, multiple submitters, no conflicts (2 of 4 stars). 5 submissions from 5 submitters: Pathogenic (3); Likely pathogenic (1). 1 of the submissions does not count toward it. Last evaluated 2025-09-29.

Conditions:
Hereditary cancer-predisposing syndrome. Also called: Tumor predisposition; Hereditary Cancer Syndrome; Hereditary neoplastic syndrome; Neoplastic Syndromes, Hereditary. Identifiers: Orphanet 140162, MedGen C0027672, MeSH D009386, MONDO:0015356.
Von Hippel-Lindau syndrome (VHLS). Also called: VHL syndrome; Von Hippel-Lindau; von Hippel–Lindau syndrome. Identifiers: Orphanet 892, MedGen C0019562, MONDO:0008667, OMIM 193300. Disease mechanism: loss of function.
Chuvash polycythemia. Also called: POLYCYTHEMIA, VHL-DEPENDENT. Identifiers: Orphanet 238557, MedGen C1837915, MONDO:0009892, OMIM 263400.

Submissions (5):

Labcorp Genetics (formerly Invitae), Labcorp
Classification: Pathogenic for Von Hippel-Lindau syndrome; Chuvash polycythemia. Last evaluated: 2025-09-29. Review status: criteria provided, single submitter. Criteria: Invitae Variant Classification Sherloc (09022015). Collection method: clinical testing. Allele origin: germline.
Comment: This sequence change replaces leucine, which is neutral and non-polar, with proline, which is neutral and non-polar, at codon 89 of the VHL protein (p.Leu89Pro). This variant is not present in population databases (gnomAD no frequency). This missense change has been observed in individuals with von Hippel-Lindau syndrome (PMID: 7987306, 8707293, 11309459, 17024664, 20151405). It has also been observed to segregate with disease in related individuals. This variant is also known as 479T>C and Leu160Pro. ClinVar contains an entry for this variant (Variation ID: 182979). Invitae Evidence Modeling of protein sequence and biophysical properties (such as structural, functional, and spatial information, amino acid conservation, physicochemical variation, residue mobility, and thermodynamic stability) indicates that this missense variant is expected to disrupt VHL protein function with a positive predictive value of 95%. For these reasons, this variant has been classified as Pathogenic.

Ambry Genetics
Classification: Likely pathogenic for Hereditary cancer-predisposing syndrome. Last evaluated: 2024-03-26. Review status: criteria provided, single submitter. Criteria: Ambry Variant Classification Scheme 2023. Collection method: clinical testing. Allele origin: germline.
Comment: The p.L89P variant (also known as c.266T>C), located in coding exon 1 of the VHL gene, results from a T to C substitution at nucleotide position 266. The leucine at codon 89 is replaced by proline, an amino acid with similar properties. This variant has been reported in numerous VHL kindreds to date (Crossey PA et al. Hum. Mol. Genet. 1994 Aug;3:1303-8; Zbar B et al. Hum. Mutat. 1996;8:348-57; Glavac D et al. Hum. Genet. 1996 Sep;98:271-80; Webster AR et al. Arch. Ophthalmol. 1999 Mar;117:371-8; Klein B et al. Hum. Genet. 2001 May;108:376-84; Ong KR et al. Hum. Mutat. 2007 Feb;28:143-9; Rajasekaran R et al. Mamm. Genome. 2008 Sep;19:654-61; Nordstrom-O'Brien M et al. Hum. Mutat. 2010 May;31:521-37). This amino acid position is highly conserved through mammals but not in all available vertebrate species. In addition, this alteration is predicted to be deleterious by in silico analysis. Based on the majority of available evidence to date, this variant is likely to be pathogenic.

Myriad Genetics, Inc.
Classification: Pathogenic for Von Hippel-Lindau syndrome. Last evaluated: 2024-02-20. Review status: criteria provided, single submitter. Criteria: Myriad Autosomal Dominant, Autosomal Recessive and X-Linked Classification Criteria (2023). Collection method: clinical testing. Allele origin: unknown.
Comment: This variant is considered pathogenic. This variant has been reported in multiple individuals with clinical features of gene-specific disease [PMID: 8707293, 20447124, 17024664, 31620170]. This variant is expected to disrupt protein structure [Myriad internal data].

Women's Health and Genetics/Laboratory Corporation of America, LabCorp
Classification: Pathogenic for Von Hippel-Lindau syndrome. Last evaluated: 2021-12-21. Review status: criteria provided, single submitter. Criteria: LabCorp Variant Classification Summary - May 2015. Collection method: clinical testing. Allele origin: germline.
Comment: Variant summary: VHL c.266T>C (p.Leu89Pro) results in a non-conservative amino acid change located in the von Hippel-Lindau disease tumour suppressor, beta/alpha domain (IPR022772) of the encoded protein sequence. Five of five in-silico tools predict a damaging effect of the variant on protein function. The variant was absent in 225978 control chromosomes (gnomAD). c.266T>C has been reported in the literature in multiple individuals and families affected with Von Hippel-Lindau Syndrome (e.g. Crossey_1994, Glavac_1996, Chacon-Camacho_2010, Liu_2018). These data indicate that the variant is very likely to be associated with disease. Three ClinVar submitters (evaluation after 2014) cite the variant as pathogenic/likely pathogenic. Based on the evidence outlined above, the variant was classified as pathogenic.

Genomic Diagnostic Laboratory, Division of Genomic Diagnostics, Children's Hospital of Philadelphia
Classification: Pathogenic for Von Hippel-Lindau syndrome. Last evaluated: 2016-02-26. Review status: no assertion criteria provided. Collection method: clinical testing. Allele origin: germline. Affected: yes. Observed: 3 variant alleles. Not counted in ClinVar's aggregate classification.

Literature cited by the submitters: PubMed 7987306 (cited by 3 submitters); PubMed 8707293 (cited by 4 submitters); PubMed 11309459 (cited by Labcorp Genetics (formerly Invitae), Labcorp); PubMed 17024664 (cited by 3 submitters); PubMed 20151405 (cited by Labcorp Genetics (formerly Invitae), Labcorp and Ambry Genetics); PubMed 10088816 (cited by Ambry Genetics); PubMed 11409863 (cited by Ambry Genetics); PubMed 18836774 (cited by Ambry Genetics); PubMed 20447124 (cited by 3 submitters); PubMed 8956040 (cited by Ambry Genetics); PubMed 31620170 (cited by Myriad Genetics, Inc.); PubMed 29595810 (cited by Women's Health and Genetics/Laboratory Corporation of America, LabCorp).

NM_000551.4(VHL):c.266T>C (p.Leu89Pro)

Gene: VHL (von Hippel-Lindau tumor suppressor; plus strand). Cytogenetic location: 3p25.3.
Variant type: single nucleotide variant.
Coding change: c.266T>C on transcript NM_000551.4 (MANE Select); coding-DNA position 266, T replaced by C.
Protein change: p.Leu89Pro; replaces leucine 89 with proline.
Molecular consequence: missense variant.
Genome position (GRCh38, 1-based): chr3:10,142,113, T>C. VCF-style: chr3-10142113-T-C. GRCh37 (hg19) VCF-style: chr3-10183797-T-C.
Other names: c.266T>C, p.Leu89Pro (NM_001354723.2, NM_198156.3); short protein forms L89P.
Identifiers: ClinVar variation 182979 (VCV000182979.14), dbSNP rs5030807, ClinGen allele CA020207.
Genomic context (GRCh38, chr3:10,142,113, plus strand): 5'-GCGAGCCCTCCCAGGTCATCTTCTGCAATCGCAGTCCGCGCGTCGTGCTGCCCGTATGGC[T>C]CAACTTCGACGGCGAGCCGCAGCCCTACCCAACGCTGCCGCCTGGCACGGGCCGCCGCAT-3'
Protein context (NP_000542.1, residues 79-99): RSPRVVLPVW[Leu89Pro]NFDGEPQPYP